The following is an entry in ClinVar:

ClinVar aggregate classification (germline): Uncertain significance. Review status: criteria provided, multiple submitters, no conflicts (2 of 4 stars). 2 submissions from 2 submitters: Uncertain significance (2). Last evaluated 2025-08-27.

Conditions:
Inborn genetic diseases. Identifiers: MedGen C0950123, MeSH D030342.
Developmental and epileptic encephalopathy, 23 (DEE23). Also called: Epileptic encephalopathy, early infantile, 23. Identifiers: Orphanet 411986, MedGen C4014492, MONDO:0014371, OMIM 615859.

Allele frequency attached by ClinVar (database versions not stated): gnomAD exomes below 0.00001; gnomAD 0.00001; TOPMed 0.00001.
gnomAD v4.1: 2 of 1,612,986 alleles (0.00012%); highest among the groups gnomAD compares: African/African-American, 0.0013%; no homozygotes.

Submissions (2):

Ambry Genetics
Classification: Uncertain significance for Inborn genetic diseases. Last evaluated: 2025-08-27. Review status: criteria provided, single submitter. Criteria: Ambry Variant Classification Scheme 2023. Collection method: clinical testing. Allele origin: germline.

Labcorp Genetics (formerly Invitae), Labcorp
Classification: Uncertain significance for Developmental and epileptic encephalopathy, 23. Last evaluated: 2019-08-22. Review status: criteria provided, single submitter. Criteria: Invitae Variant Classification Sherloc (09022015). Collection method: clinical testing. Allele origin: germline.
Comment: In summary, the available evidence is currently insufficient to determine the role of this variant in disease. Therefore, it has been classified as a Variant of Uncertain Significance. Algorithms developed to predict the effect of missense changes on protein structure and function (SIFT, PolyPhen-2, Align-GVGD) all suggest that this variant is likely to be tolerated, but these predictions have not been confirmed by published functional studies and their clinical significance is uncertain. This variant has not been reported in the literature in individuals with DOCK7-related conditions. This variant is not present in population databases (ExAC no frequency). This sequence change replaces alanine with threonine at codon 1470 of the DOCK7 protein (p.Ala1470Thr). The alanine residue is highly conserved and there is a small physicochemical difference between alanine and threonine.

NM_001367561.1(DOCK7):c.4435G>A (p.Ala1479Thr)

Gene: DOCK7 (dedicator of cytokinesis 7; minus strand). Cytogenetic location: 1p31.3.
Variant type: single nucleotide variant.
Coding change: c.4435G>A on transcript NM_001367561.1 (MANE Select); coding-DNA position 4435, G replaced by A.
Protein change: p.Ala1479Thr; replaces alanine 1479 with threonine.
Molecular consequence: missense variant.
Genome position (GRCh38, 1-based): chr1:62,508,003, C>T on the plus strand (G>A on the coding strand, the complement: DOCK7 is on the minus strand). VCF-style: chr1-62508003-C-T. GRCh37 (hg19) VCF-style: chr1-62973674-C-T.
Other names: c.4342G>A (NM_033407.2); c.4408G>A, p.Ala1470Thr (NM_001271999.2, NM_001330614.2); c.4315G>A, p.Ala1439Thr (NM_001272000.2, NM_001272001.2); c.4342G>A, p.Ala1448Thr (NM_033407.4); short protein forms A1439T, A1479T, A1448T, A1470T.
Identifiers: ClinVar variation 940432 (VCV000940432.9), dbSNP rs1423979106, ClinGen allele CA340621325.